The following is an entry in ClinVar:

ClinVar aggregate classification (germline): Likely benign (1 of 4 stars; one submission).

Conditions:
Microcephalic osteodysplastic primordial dwarfism type II (MOPD2). Also called: Microcephalic osteodysplastic primordial dwarfism with tooth abnormalities; MOPD II; OSTEODYSPLASTIC PRIMORDIAL DWARFISM, TYPE II. Identifiers: Orphanet 2637, MedGen C0432246, MONDO:0008872, OMIM 210720.

Allele frequency attached by ClinVar (database versions not stated): gnomAD exomes 0.00047; ExAC 0.00070; gnomAD 0.00152 and 0.00159; ESP Exome Variant Server 0.00154; TOPMed 0.00178; 1000 Genomes Project 0.00180; 1000 Genomes Project 30x 0.00234.

Submission:

Illumina Laboratory Services, Illumina
Classification: Likely benign for Microcephalic osteodysplastic primordial dwarfism type II. Last evaluated: 2018-01-13. Review status: criteria provided, single submitter. Criteria: ICSL Variant Classification Criteria 13 December 2019. Collection method: clinical testing. Allele origin: germline.
Comment: This variant was observed in the ICSL laboratory as part of a predisposition screen in an ostensibly healthy population. It had not been previously curated by ICSL or reported in the Human Gene Mutation Database (HGMD: prior to June 1st, 2018), and was therefore a candidate for classification through an automated scoring system. Utilizing variant allele frequency, disease prevalence and penetrance estimates, and inheritance mode, an automated score was calculated to assess if this variant is too frequent to cause the disease. Based on the score and internal cut-off values, a variant classified as likely benign is not then subjected to further curation. The score for this variant resulted in a classification of likely benign for this disease.

NM_006031.6(PCNT):c.-25G>C

Genes: PCNT (pericentrin; plus strand), LOC130066875 (ATAC-STARR-seq lymphoblastoid silent region 13419; plus strand). Cytogenetic location: 21q22.3.
Variant type: single nucleotide variant.
Coding change: c.-25G>C on transcript NM_006031.6 (MANE Select); 25 bases upstream of the start codon, G replaced by C.
Molecular consequence: 5 prime UTR variant.
Genome position (GRCh38, 1-based): chr21:46,324,204, G>C. VCF-style: chr21-46324204-G-C. GRCh37 (hg19) VCF-style: chr21-47744118-G-C.
Identifiers: ClinVar variation 340458 (VCV000340458.5), dbSNP rs202239640, ClinGen allele CA10078071.